The following is an entry in ClinVar:

ClinVar aggregate classification (germline): Uncertain significance (1 of 4 stars; one submission).

Submission:

CeGaT Center for Human Genetics Tuebingen
Classification: Uncertain significance. Last evaluated: 2023-07-01. Review status: criteria provided, single submitter. Criteria: CeGaT Center For Human Genetics Tuebingen Variant Classification Criteria Version 2. Collection method: clinical testing. Allele origin: germline. Affected: yes. Observed: 1 variant allele.
Comment: KDM5B: PM2, PS2:Supporting

NM_006618.5(KDM5B):c.1846del (p.Glu616fs)

Gene: KDM5B (lysine demethylase 5B; minus strand). Cytogenetic location: 1q32.1.
Variant type: Deletion.
Coding change: c.1846del on transcript NM_006618.5 (MANE Select); coding-DNA position 1846, one base deleted (G; older notation c.1846delG).
Protein change: p.Glu616fs; shifts the reading frame from glutamic acid 616.
Molecular consequence: frameshift variant.
Genome position (GRCh38, 1-based): chr1:202,749,115, C deleted on the plus strand (G on the coding strand, the reverse complement: KDM5B is on the minus strand); the first of 2 consecutive C bases (chr1:202,749,115-202,749,116); deleting either gives the same sequence. VCF-style (leftmost placement, unchanged base first): chr1-202749114-TC-T. GRCh37 (hg19) VCF-style: chr1-202718242-TC-T.
Other names: c.1954del, p.Glu652fs (NM_001314042.2); c.1711del, p.Glu571fs (NM_001347591.2); c.1831del, p.Glu611fs (NM_001399817.1); short protein forms E571fs, E611fs, E616fs, E652fs.
Identifiers: ClinVar variation 2578594 (VCV002578594.25), dbSNP rs2527502272, ClinGen allele CA2580617942.
Genomic context (GRCh38, chr1:202,749,114, plus strand): 5'-ATCTTGCAGATCATCTCATCGTGGGAAAACACACAATATCGATGAAGCAAGCGATAATGC[TC>T]CACACACTGTCGGCCTAATGGCAGCTGTATCAAAACACGGAAAGAAAAAAATAACATTCA-3'